The following is an entry in ClinVar:

ClinVar aggregate classification (germline): Uncertain significance (1 of 4 stars; one submission).

Conditions:
Hereditary sensory and autonomic neuropathy type 6. Also called: HSAN VI; Neuropathy, hereditary sensory and autonomic, type VI. Identifiers: Orphanet 314381, MedGen C3539003, MONDO:0013839, OMIM 614653.
Epidermolysis bullosa simplex 3, localized or generalized intermediate, with BP230 deficiency (EBS3). Also called: Epidermolysis bullosa simplex, autosomal recessive 2; Epidermolysis bullosa simplex due to BP230 deficiency. Identifiers: Orphanet 412181, MedGen C3809470, MONDO:0014180, OMIM 615425.

Allele frequency attached by ClinVar (database versions not stated): ExAC 0.00001; ESP Exome Variant Server 0.00008.

Submission:

Labcorp Genetics (formerly Invitae), Labcorp
Classification: Uncertain significance for Epidermolysis bullosa simplex 3, localized or generalized intermediate, with BP230 deficiency; Hereditary sensory and autonomic neuropathy type 6. Last evaluated: 2022-11-01. Review status: criteria provided, single submitter. Criteria: Invitae Variant Classification Sherloc (09022015). Collection method: clinical testing. Allele origin: germline.
Comment: The DST gene has multiple clinically relevant transcripts. This variant occurs in alternate transcript NM_015548.4, and corresponds to NM_001723.6(DST):c.*97960C>T in the primary transcript. This sequence change affects codon 3442 of the DST mRNA. It is a 'silent' change, meaning that it does not change the encoded amino acid sequence of the DST protein. In summary, the available evidence is currently insufficient to determine the role of this variant in disease. Therefore, it has been classified as a Variant of Uncertain Significance. This variant is present in population databases (rs368054543, gnomAD 0.007%). This variant has not been reported in the literature in individuals affected with DST-related conditions. Experimental studies and prediction algorithms are not available or were not evaluated, and the effect of this variant on mRNA splicing is currently unknown.

NM_001374736.1(DST):c.18193C>T (p.Leu6065=)

Gene: DST (dystonin; minus strand). Cytogenetic location: 6p12.1.
Variant type: single nucleotide variant.
Coding change: c.18193C>T on transcript NM_001374736.1 (MANE Select); coding-DNA position 18193, C replaced by T.
Protein change: p.Leu6065=; no amino-acid change (leucine 6065 retained).
Molecular consequence: synonymous variant.
Genome position (GRCh38, 1-based): chr6:56,517,557, G>A on the plus strand (C>T on the coding strand, the complement: DST is on the minus strand). VCF-style: chr6-56517557-G-A. GRCh37 (hg19) VCF-style: chr6-56382355-G-A.
Other names: c.11836C>T, p.Leu3946= (NM_001144769.5); c.11422C>T, p.Leu3808= (NM_001144770.2); c.18193C>T, p.Leu6065= (NM_001374722.1); c.17233C>T, p.Leu5745= (NM_001374729.1); c.10975C>T, p.Leu3659= (NM_001374730.1); c.18220C>T, p.Leu6074= (NM_001374734.1); c.11302C>T, p.Leu3768= (NM_001386100.1, NM_183380.4); c.10324C>T, p.Leu3442= (NM_015548.5).
Identifiers: ClinVar variation 2930310 (VCV002930310.3), dbSNP rs368054543, ClinGen allele CA3867269.